The following is an entry in ClinVar:

NM_012120.3(CD2AP):c.1830A>C (p.Lys610Asn)

Gene: CD2AP (CD2 associated protein; plus strand). Cytogenetic location: 6p12.3.
Variant type: single nucleotide variant.
Coding change: c.1830A>C on transcript NM_012120.3 (MANE Select); coding-DNA position 1830, A replaced by C.
Protein change: p.Lys610Asn; replaces lysine 610 with asparagine.
Molecular consequence: missense variant.
Genome position (GRCh38, 1-based): chr6:47,612,488, A>C. VCF-style: chr6-47612488-A-C. GRCh37 (hg19) VCF-style: chr6-47580224-A-C.
Other names: short protein forms K610N.
Identifiers: ClinVar variation 2092581 (VCV002092581.4), dbSNP rs1379209949, ClinGen allele CA363944197.
Genomic context (GRCh38, chr6:47,612,488, plus strand): 5'-TTATTTAATCGAAAGACTTAACAGTAATAAGTACTTTGTTTTTAGGAAAGAACTGGAAAA[A>C]CTGCGAAAAGATTTGGAAGAAGAGAAGACAATGAGAAGTAATCTAGAGGTAATTAATTTC-3'
Protein context (NP_036252.1, residues 600-620): LKKDHGKELE[Lys610Asn]LRKDLEEEKT

ClinVar aggregate classification (germline): Uncertain significance (1 of 4 stars; one submission).

Allele frequency attached by ClinVar (database versions not stated): gnomAD exomes below 0.00001.
gnomAD v4.1: 2 of 1,604,706 alleles (0.00012%); highest among the groups gnomAD compares: Non-Finnish European, 0.000085%; no homozygotes.

Submission:

Labcorp Genetics (formerly Invitae), Labcorp
Classification: Uncertain significance. Last evaluated: 2025-12-20. Review status: criteria provided, single submitter. Criteria: Invitae Variant Classification Sherloc (09022015). Collection method: clinical testing. Allele origin: germline.
Comment: This sequence change replaces lysine, which is basic and polar, with asparagine, which is neutral and polar, at codon 610 of the CD2AP protein (p.Lys610Asn). The frequency data for this variant in the population databases is considered unreliable, as metrics indicate poor data quality at this position in the gnomAD database. This variant has not been reported in the literature in individuals affected with CD2AP-related conditions. ClinVar contains an entry for this variant (Variation ID: 2092581). Invitae Evidence Modeling of protein sequence and biophysical properties (such as structural, functional, and spatial information, amino acid conservation, physicochemical variation, residue mobility, and thermodynamic stability) indicates that this missense variant is not expected to disrupt CD2AP protein function with a negative predictive value of 80%. In summary, the available evidence is currently insufficient to determine the role of this variant in disease. Therefore, it has been classified as a Variant of Uncertain Significance.